The following is an entry in ClinVar:

ClinVar aggregate classification (germline): other (0 of 4 stars; one submission).

Conditions:
Familial colorectal cancer. Identifiers: MedGen CN280943, MONDO:0023113. Disease mechanism: loss of function.

Submission:

Systems Biology Platform Zhejiang California International NanoSystems Institute
Classification: other for Familial colorectal cancer. Review status: no assertion criteria provided. Collection method: not provided. Allele origin: unknown.
ClinVar note: Converted during submission from cancer to other.

NC_000005.10:g.112847796G>T

Variant type: single nucleotide variant.
Genome position: GRCh38 VCF-style: chr5-112847796-G-T. GRCh37 (hg19) VCF-style: chr5-112183493-G-T.
Identifiers: ClinVar variation 83277 (VCV000083277.3), dbSNP rs80136756, ClinGen allele CA250969.